The following is an entry in ClinVar:

NM_001953.5(TYMP):c.1156G>T (p.Asp386Tyr)

Genes: SCO2 (synthesis of cytochrome C oxidase 2; minus strand), TYMP (thymidine phosphorylase; minus strand), LOC130067862 (ATAC-STARR-seq lymphoblastoid silent region 13986; plus strand). Cytogenetic location: 22q13.33.
Variant type: single nucleotide variant.
Coding change: c.1156G>T on transcript NM_001953.5 (MANE Select); coding-DNA position 1156, G replaced by T.
Protein change: p.Asp386Tyr; replaces aspartic acid 386 with tyrosine.
Molecular consequence: missense variant. On other transcripts: 5 prime UTR variant (1).
Genome position (GRCh38, 1-based): chr22:50,526,249, C>A on the plus strand (G>T on the coding strand, the complement: TYMP is on the minus strand). VCF-style: chr22-50526249-C-A. GRCh37 (hg19) VCF-style: chr22-50964678-C-A.
Other names: c.1156G>T, p.Asp386Tyr (NM_001113755.3, NM_001113756.3, NM_001257988.1 and 1 more transcripts); c.-17G>T (NM_001169109.2); short protein forms D386Y.
Identifiers: ClinVar variation 1433097 (VCV001433097.6), dbSNP rs773626895, ClinGen allele CA10321474.
Genomic context (GRCh38, chr22:50,526,249, plus strand): 5'-CTCGGGAAGGGAAGGGGATGGCGGAGGCGGAAGGACGGGGACTCCCCCGACGCTCACCAT[C>A]TGCGGGCGCCAGCAGCTCCTCCTGCTCCCGGGCGCGAGGCAGCAGCTGCCGGCGTTCTGC-3'
Protein context (NP_001944.1, residues 376-396): REQEELLAPA[Asp386Tyr]GTVELVRALP

ClinVar aggregate classification (germline): Uncertain significance. Review status: criteria provided, multiple submitters, no conflicts (2 of 4 stars). 2 submissions from 2 submitters: Uncertain significance (2). Last evaluated 2025-10-02.

Conditions:
Inborn genetic diseases. Identifiers: MedGen C0950123, MeSH D030342.

Allele frequency attached by ClinVar (database versions not stated): gnomAD 0.00002.

Submissions (2):

Ambry Genetics
Classification: Uncertain significance for Inborn genetic diseases. Last evaluated: 2025-10-02. Review status: criteria provided, single submitter. Criteria: Ambry Variant Classification Scheme 2023. Collection method: clinical testing. Allele origin: germline.

Labcorp Genetics (formerly Invitae), Labcorp
Classification: Uncertain significance. Last evaluated: 2024-01-17. Review status: criteria provided, single submitter. Criteria: Invitae Variant Classification Sherloc (09022015). Collection method: clinical testing. Allele origin: germline.
Comment: This sequence change replaces aspartic acid, which is acidic and polar, with tyrosine, which is neutral and polar, at codon 386 of the TYMP protein (p.Asp386Tyr). This variant is not present in population databases (gnomAD no frequency). This variant has not been reported in the literature in individuals affected with TYMP-related conditions. ClinVar contains an entry for this variant (Variation ID: 1433097). Advanced modeling of protein sequence and biophysical properties (such as structural, functional, and spatial information, amino acid conservation, physicochemical variation, residue mobility, and thermodynamic stability) has been performed at Invitae for this missense variant, however the output from this modeling did not meet the statistical confidence thresholds required to predict the impact of this variant on TYMP protein function. In summary, the available evidence is currently insufficient to determine the role of this variant in disease. Therefore, it has been classified as a Variant of Uncertain Significance.